The following is an entry in ClinVar:

ClinVar aggregate classification (germline): Uncertain significance (1 of 4 stars; one submission).

Conditions:
Chédiak-Higashi syndrome (CHS). Also called: Chediak-Higashi Syndrome. Identifiers: Orphanet 167, MedGen C0007965, MONDO:0008963, OMIM 214500.

Allele frequency attached by ClinVar (database versions not stated): TOPMed below 0.00001; gnomAD 0.00001.
gnomAD v4.1: 2 of 1,614,012 alleles (0.00012%); highest among the groups gnomAD compares: African/African-American, 0.0027%; no homozygotes.

Submission:

Labcorp Genetics (formerly Invitae), Labcorp
Classification: Uncertain significance for Chédiak-Higashi syndrome. Last evaluated: 2022-07-21. Review status: criteria provided, single submitter. Criteria: Invitae Variant Classification Sherloc (09022015). Collection method: clinical testing. Allele origin: germline.
Comment: This sequence change replaces aspartic acid, which is acidic and polar, with tyrosine, which is neutral and polar, at codon 3694 of the LYST protein (p.Asp3694Tyr). This variant is present in population databases (no rsID available, gnomAD 0.01%). This variant has not been reported in the literature in individuals affected with LYST-related conditions. Algorithms developed to predict the effect of missense changes on protein structure and function are either unavailable or do not agree on the potential impact of this missense change (SIFT: "Deleterious"; PolyPhen-2: "Probably Damaging"; Align-GVGD: "Class C0"). In summary, the available evidence is currently insufficient to determine the role of this variant in disease. Therefore, it has been classified as a Variant of Uncertain Significance.

NM_000081.4(LYST):c.11080G>T (p.Asp3694Tyr)

Gene: LYST (lysosomal trafficking regulator; minus strand). Cytogenetic location: 1q42.3.
Variant type: single nucleotide variant.
Coding change: c.11080G>T on transcript NM_000081.4 (MANE Select); coding-DNA position 11080, G replaced by T.
Protein change: p.Asp3694Tyr; replaces aspartic acid 3694 with tyrosine.
Molecular consequence: missense variant.
Genome position (GRCh38, 1-based): chr1:235,664,580, C>A on the plus strand (G>T on the coding strand, the complement: LYST is on the minus strand). VCF-style: chr1-235664580-C-A. GRCh37 (hg19) VCF-style: chr1-235827880-C-A.
Other names: c.11080G>T, p.Asp3694Tyr (NM_001301365.1); short protein forms D3694Y.
Identifiers: ClinVar variation 1906444 (VCV001906444.5), dbSNP rs1351634076, ClinGen allele CA344987030.